The following is an entry in ClinVar:

NM_000181.4(GUSB):c.918G>T (p.Gln306His)

Gene: GUSB (glucuronidase beta; minus strand). Cytogenetic location: 7q11.21.
Variant type: single nucleotide variant.
Coding change: c.918G>T on transcript NM_000181.4 (MANE Select); coding-DNA position 918, G replaced by T.
Protein change: p.Gln306His; replaces glutamine 306 with histidine.
Molecular consequence: missense variant. On other transcripts: non-coding transcript variant (1).
Genome position (GRCh38, 1-based): chr7:65,975,066, C>A on the plus strand (G>T on the coding strand, the complement: GUSB is on the minus strand). VCF-style: chr7-65975066-C-A. GRCh37 (hg19) VCF-style: chr7-65440053-C-A.
Other names: c.480G>T, p.Gln160His (NM_001284290.2); c.348G>T, p.Gln116His (NM_001293104.2); c.261G>T, p.Gln87His (NM_001293105.2); short protein forms Q306H, Q160H, Q116H, Q87H.
Identifiers: ClinVar variation 575494 (VCV000575494.8), dbSNP rs375828604, ClinGen allele CA4276441.

ClinVar aggregate classification (germline): Conflicting classifications of pathogenicity. Review status: criteria provided, conflicting classifications (1 of 4 stars). 3 submissions from 3 submitters: Uncertain significance (2); Likely benign (1). Last evaluated 2023-02-15.

Conditions:
Mucopolysaccharidosis type 7 (MPS7). Also called: BETA-GLUCURONIDASE DEFICIENCY; GUSB DEFICIENCY; MPS VII; SLY SYNDROME. Identifiers: Orphanet 584, MedGen C0085132, MONDO:0009662, OMIM 253220.
Inborn genetic diseases. Identifiers: MedGen C0950123, MeSH D030342.

Allele frequency attached by ClinVar (database versions not stated): ExAC 0.00004; gnomAD exomes 0.00006 and 0.00012; TOPMed 0.00006; ESP Exome Variant Server 0.00008; gnomAD 0.00012; 1000 Genomes Project 30x 0.00016; 1000 Genomes Project 0.00020.
gnomAD v4.1: 184 of 1,613,296 alleles (0.011%); highest among the groups gnomAD compares: Non-Finnish European, 0.015%; no homozygotes.

Submissions (3):

Ambry Genetics
Classification: Uncertain significance for Inborn genetic diseases. Last evaluated: 2023-02-15. Review status: criteria provided, single submitter. Criteria: Ambry Variant Classification Scheme 2023. Collection method: clinical testing. Allele origin: germline.

Labcorp Genetics (formerly Invitae), Labcorp
Classification: Uncertain significance for Mucopolysaccharidosis type 7. Last evaluated: 2022-06-09. Review status: criteria provided, single submitter. Criteria: Invitae Variant Classification Sherloc (09022015). Collection method: clinical testing. Allele origin: germline.
Comment: This sequence change replaces glutamine, which is neutral and polar, with histidine, which is basic and polar, at codon 306 of the GUSB protein (p.Gln306His). This variant is present in population databases (rs375828604, gnomAD 0.01%). This variant has not been reported in the literature in individuals affected with GUSB-related conditions. ClinVar contains an entry for this variant (Variation ID: 575494). Algorithms developed to predict the effect of missense changes on protein structure and function (SIFT, PolyPhen-2, Align-GVGD) all suggest that this variant is likely to be tolerated. In summary, the available evidence is currently insufficient to determine the role of this variant in disease. Therefore, it has been classified as a Variant of Uncertain Significance.

Blueprint Genetics
Classification: Likely benign. Last evaluated: 2021-01-15. Review status: criteria provided, single submitter. Criteria: ACMG Guidelines, 2015. Collection method: clinical testing. Allele origin: germline.